The following is an entry in ClinVar:

Conditions:
Arteriohepatic dysplasia. Also called: Alagille Syndrome. Identifiers: Orphanet 52, MedGen C0085280, MeSH D016738, MONDO:0007318.

Submission:

Gilbert/Spinner Lab, Children's Hospital of Philadelphia
No classification provided (evidence only). Condition: Alagille syndrome. Review status: no classification provided. Collection method: research. Allele origin: not applicable. Functional consequence: functionally_abnormal.
ClinVar note: "not provided" was previously submitted as the classification for the variant. However, the classification appeared to be based only on an observation of functional data so it was converted to no classification on 2025-07-30.

NM_000214.3(JAG1):c.586T>G (p.Cys196Gly)

Gene: JAG1 (jagged canonical Notch ligand 1; minus strand). Cytogenetic location: 20p12.2.
Variant type: single nucleotide variant.
Coding change: c.586T>G on transcript NM_000214.3 (MANE Select); coding-DNA position 586, T replaced by G.
Protein change: p.Cys196Gly; replaces cysteine 196 with glycine.
Molecular consequence: missense variant.
Genome position (GRCh38, 1-based): chr20:10,658,576, A>C on the plus strand (T>G on the coding strand, the complement: JAG1 is on the minus strand). VCF-style: chr20-10658576-A-C. GRCh37 (hg19) VCF-style: chr20-10639224-A-C.
Other names: short protein forms C196G.
Identifiers: ClinVar variation 3573339 (VCV003573339.2).